The following is an entry in ClinVar:

ClinVar aggregate classification (germline): Conflicting classifications of pathogenicity. Review status: criteria provided, conflicting classifications (1 of 4 stars). 5 submissions from 5 submitters: Uncertain significance (4); Likely benign (1). Last evaluated 2026-02-02.

Conditions:
Hereditary cancer-predisposing syndrome. Also called: Tumor predisposition; Neoplastic Syndromes, Hereditary; Hereditary Cancer Syndrome; Hereditary neoplastic syndrome. Identifiers: Orphanet 140162, MedGen C0027672, MeSH D009386, MONDO:0015356.
Neuroblastoma, susceptibility to, 3. Also called: ALK-Related Neuroblastic Tumor Susceptibility. Identifiers: Orphanet 635, MedGen C2751681, MONDO:0013083, OMIM 613014.

Allele frequency attached by ClinVar (database versions not stated): gnomAD exomes 0.00001 and 0.00003; ExAC 0.00003; 1000 Genomes Project 0.00020; gnomAD 0.00025 and 0.00027; 1000 Genomes Project 30x 0.00031; TOPMed 0.00047.
gnomAD v4.1: 68 of 1,614,216 alleles (0.0042%); highest among the groups gnomAD compares: Admixed American, 0.057%; no homozygotes.

Submissions (5):

Labcorp Genetics (formerly Invitae), Labcorp
Classification: Uncertain significance for Neuroblastoma, susceptibility to, 3. Last evaluated: 2026-02-02. Review status: criteria provided, single submitter. Criteria: Invitae Variant Classification Sherloc (09022015). Collection method: clinical testing. Allele origin: germline.
Comment: This sequence change replaces arginine, which is basic and polar, with isoleucine, which is neutral and non-polar, at codon 1549 of the ALK protein (p.Arg1549Ile). This variant is present in population databases (rs199646095, gnomAD 0.04%). This variant has not been reported in the literature in individuals affected with ALK-related conditions. ClinVar contains an entry for this variant (Variation ID: 404353). An algorithm developed to predict the effect of missense changes on protein structure and function (PolyPhen-2) suggests that this variant is likely to be disruptive. In summary, the available evidence is currently insufficient to determine the role of this variant in disease. Therefore, it has been classified as a Variant of Uncertain Significance.

GeneDx
Classification: Uncertain significance. Last evaluated: 2024-11-17. Review status: criteria provided, single submitter. Criteria: GeneDx Variant Classification Process June 2021. Collection method: clinical testing. Allele origin: germline. Affected: yes.
Comment: In silico analysis supports that this missense variant has a deleterious effect on protein structure/function; Has not been previously published as pathogenic or benign to our knowledge; This variant is associated with the following publications: (PMID: 26822149, 25054154)

Fulgent Genetics
Classification: Uncertain significance for Neuroblastoma, susceptibility to, 3. Last evaluated: 2024-04-04. Review status: criteria provided, single submitter. Criteria: ACMG Guidelines, 2015. Collection method: clinical testing. Allele origin: germline.

Baylor Genetics
Classification: Uncertain significance for Neuroblastoma, susceptibility to, 3. Last evaluated: 2024-02-12. Review status: criteria provided, single submitter. Criteria: ACMG Guidelines, 2015. Collection method: clinical testing. Allele origin: unknown.

Ambry Genetics
Classification: Likely benign for Hereditary cancer-predisposing syndrome. Last evaluated: 2022-01-28. Review status: criteria provided, single submitter. Criteria: Ambry Variant Classification Scheme 2023. Collection method: clinical testing. Allele origin: germline.

NM_004304.5(ALK):c.4646G>T (p.Arg1549Ile)

Gene: ALK (ALK receptor tyrosine kinase; minus strand). Cytogenetic location: 2p23.2.
Variant type: single nucleotide variant.
Coding change: c.4646G>T on transcript NM_004304.5 (MANE Select); coding-DNA position 4646, G replaced by T.
Protein change: p.Arg1549Ile; replaces arginine 1549 with isoleucine.
Molecular consequence: missense variant.
Genome position (GRCh38, 1-based): chr2:29,193,441, C>A on the plus strand (G>T on the coding strand, the complement: ALK is on the minus strand). VCF-style: chr2-29193441-C-A. GRCh37 (hg19) VCF-style: chr2-29416307-C-A.
Other names: c.1442G>T, p.Arg481Ile (NM_001353765.2); short protein forms R1549I, R481I.
Identifiers: ClinVar variation 404353 (VCV000404353.20), dbSNP rs199646095, ClinGen allele CA1593523.